The following is an entry in ClinVar:

NM_001354604.2(MITF):c.787G>A (p.Asp263Asn)

Gene: MITF (melanocyte inducing transcription factor; plus strand). Cytogenetic location: 3p13.
Variant type: single nucleotide variant.
Coding change: c.787G>A on transcript NM_001354604.2 (MANE Select); coding-DNA position 787, G replaced by A.
Protein change: p.Asp263Asn; replaces aspartic acid 263 with asparagine.
Molecular consequence: missense variant.
Genome position (GRCh38, 1-based): chr3:69,949,075, G>A. VCF-style: chr3-69949075-G-A. GRCh37 (hg19) VCF-style: chr3-69998226-G-A.
Other names: c.466G>A, p.Asp156Asn (NM_000248.4, NM_198158.3); c.631G>A, p.Asp211Asn (NM_001184967.2, NM_001354608.2); c.784G>A, p.Asp262Asn (NM_001354605.2, NM_001354606.2, NM_006722.3); c.736G>A, p.Asp246Asn (NM_001354607.2); c.787G>A, p.Asp263Asn (NM_198159.3); c.739G>A, p.Asp247Asn (NM_198177.3); c.298G>A, p.Asp100Asn (NM_198178.3); short protein forms D100N, D156N, D211N, D246N, D247N, D262N, D263N.
Identifiers: ClinVar variation 3758686 (VCV003758686.3).

ClinVar aggregate classification (germline): Uncertain significance. Review status: criteria provided, multiple submitters, no conflicts (2 of 4 stars). 2 submissions from 2 submitters: Uncertain significance (2). Last evaluated 2026-04-19.

Conditions:
Hereditary cancer-predisposing syndrome. Also called: Hereditary Cancer Syndrome; Hereditary neoplastic syndrome; Neoplastic Syndromes, Hereditary; Tumor predisposition. Identifiers: Orphanet 140162, MedGen C0027672, MeSH D009386, MONDO:0015356.
Tietz syndrome (TADS). Also called: ALBINISM-DEAFNESS OF TIETZ; HYPOPIGMENTATION/DEAFNESS OF TIETZ; TIETZ ALBINISM-DEAFNESS SYNDROME. Identifiers: Orphanet 42665, MedGen C0391816, MONDO:0007077, OMIM 103500.
Waardenburg syndrome type 2A (WS2A). Also called: WAARDENBURG SYNDROME WITHOUT DYSTOPIA CANTHORUM. Identifiers: Orphanet 3440, MedGen C1860339, MONDO:0008671, OMIM 193510.
Melanoma, cutaneous malignant, susceptibility to, 8. Also called: Cutaneous malignant melanoma 8; MELANOMA AND RENAL CELL CARCINOMA, SUSCEPTIBILITY TO. Identifiers: Orphanet 293822, MedGen C3152204, MONDO:0013759, OMIM 614456.

Submissions (2):

Ambry Genetics
Classification: Uncertain significance for Hereditary cancer-predisposing syndrome. Last evaluated: 2026-04-19. Review status: criteria provided, single submitter. Criteria: Ambry Variant Classification Scheme 2023. Collection method: clinical testing. Allele origin: germline.
Comment: The p.D156N variant (also known as c.466G>A), located in coding exon 5 of the MITF gene, results from a G to A substitution at nucleotide position 466. The aspartic acid at codon 156 is replaced by asparagine, an amino acid with highly similar properties. This amino acid position is conserved. In addition, this alteration is predicted to be tolerated by in silico analysis. Based on the available evidence, the clinical significance of this variant remains unclear.

Labcorp Genetics (formerly Invitae), Labcorp
Classification: Uncertain significance for Melanoma, cutaneous malignant, susceptibility to, 8; Waardenburg syndrome type 2A; Tietz syndrome. Last evaluated: 2025-01-19. Review status: criteria provided, single submitter. Criteria: Invitae Variant Classification Sherloc (09022015). Collection method: clinical testing. Allele origin: germline.
Comment: This sequence change replaces aspartic acid, which is acidic and polar, with asparagine, which is neutral and polar, at codon 156 of the MITF protein (p.Asp156Asn). This variant is not present in population databases (gnomAD no frequency). This variant has not been reported in the literature in individuals affected with MITF-related conditions. Invitae Evidence Modeling of protein sequence and biophysical properties (such as structural, functional, and spatial information, amino acid conservation, physicochemical variation, residue mobility, and thermodynamic stability) indicates that this missense variant is not expected to disrupt MITF protein function with a negative predictive value of 80%. In summary, the available evidence is currently insufficient to determine the role of this variant in disease. Therefore, it has been classified as a Variant of Uncertain Significance.